The following is an entry in ClinVar:

NM_000284.4(PDHA1):c.419-17_419-14del

Gene: PDHA1 (pyruvate dehydrogenase E1 subunit alpha 1; plus strand). Cytogenetic location: Xp22.12.
Variant type: Deletion.
Coding change: c.419-17_419-14del on transcript NM_000284.4 (MANE Select); 17 bases into the intron before coding-DNA position 419 through 14 bases into the intron before coding-DNA position 419, 4 bases deleted (TGTT; older notation c.419-17_419-14delTGTT).
Molecular consequence: intron variant.
Genome position (GRCh38, 1-based): chrX:19,353,065-19,353,068, TGTT deleted. VCF-style (leftmost placement, unchanged base first): chrX-19353064-ATGTT-A. GRCh37 (hg19) VCF-style: chrX-19371182-ATGTT-A.
Other names: c.533-17_533-14del (NM_001173454.2); c.440-17_440-14del (NM_001173455.2); c.419-17_419-14del (NM_001173456.2).
Identifiers: ClinVar variation 4070317 (VCV004070317.1).

ClinVar aggregate classification (germline): Likely pathogenic (0 of 4 stars; one submission).

Conditions:
Pyruvate dehydrogenase E1-alpha deficiency (PDHAD). Also called: ATAXIA, INTERMITTENT, WITH PYRUVATE DEHYDROGENASE DEFICIENCY; ATAXIA WITH LACTIC ACIDOSIS I; ATAXIA, INTERMITTENT, WITH ABNORMAL PYRUVATE METABOLISM; Ataxia, intermittent, with pyruvate dehydrogenase, or decarboxylase, deficiency. Identifiers: Orphanet 79243, MedGen C1839413, MONDO:0010717, OMIM 312170.

Submission:

PDHA1 Study Group, University Children’s Hospital, Paracelsus Medical University
Classification: Likely pathogenic for Pyruvate dehydrogenase E1-alpha deficiency. Last evaluated: 2024-10-15. Review status: no assertion criteria provided. Collection method: research. Allele origin: germline. Affected: yes. Observed: 1 variant allele.
Comment: The NM_000284.3:c.419-17_419-14del (p.?) variant affects splicing in PDHA1 gene. The variant has been reported in 1 published case (PMIDs: 24718837). Last literature search: July 12, 2024. This variant is absent or extremely rare in population-based cohorts in the Genome Aggregation Database (gnomAD). Individuals harboring this variant presented with clinical features compatible with PDHA1-related PDHc deficiency. In summary, this variant meets criteria to be classified as likely pathogenic (LP) for PDHA1-related PDHc deficiency based on the ACMG/AMP criteria applied: PS3, PM2, PM7, BP4 (last assessment October 15, 2024).

Literature cited by the submitters: PubMed 24718837; DOI 10.1093/brain/awaf430.